The following is an entry in ClinVar:

ClinVar aggregate classification (germline): Uncertain significance. Review status: criteria provided, multiple submitters, no conflicts (2 of 4 stars). 3 submissions from 3 submitters: Uncertain significance (3). Last evaluated 2024-11-12.

Conditions:
Inborn genetic diseases. Identifiers: MedGen C0950123, MeSH D030342.
Nephrolithiasis susceptibility caused by SLC26A1 (CAON1). Also called: NEPHROLITHIASIS, CALCIUM OXALATE, 1. Identifiers: MedGen C5779632, MONDO:0020722, OMIM 167030.
Hypersulfaturia (HYSULF). Identifiers: MedGen C5830511, MONDO:0957268, OMIM 620372.

Allele frequency attached by ClinVar (database versions not stated): TOPMed 0.00015; gnomAD 0.00017 and 0.00019; gnomAD exomes 0.00002; ExAC 0.00004.
gnomAD v4.1: 51 of 1,579,572 alleles (0.0032%); highest among the groups gnomAD compares: African/African-American, 0.04%; no homozygotes.

Submissions (3):

Ambry Genetics
Classification: Uncertain significance for Inborn genetic diseases. Last evaluated: 2024-11-12. Review status: criteria provided, single submitter. Criteria: Ambry Variant Classification Scheme 2023. Collection method: clinical testing. Allele origin: germline.

Fulgent Genetics
Classification: Uncertain significance for Nephrolithiasis susceptibility caused by SLC26A1; Hypersulfaturia. Last evaluated: 2024-05-15. Review status: criteria provided, single submitter. Criteria: ACMG Guidelines, 2015. Collection method: clinical testing. Allele origin: germline.

Labcorp Genetics (formerly Invitae), Labcorp
Classification: Uncertain significance. Last evaluated: 2024-04-09. Review status: criteria provided, single submitter. Criteria: Invitae Variant Classification Sherloc (09022015). Collection method: clinical testing. Allele origin: germline.
Comment: This sequence change replaces arginine, which is basic and polar, with cysteine, which is neutral and slightly polar, at codon 372 of the SLC26A1 protein (p.Arg372Cys). The frequency data for this variant in the population databases is considered unreliable, as metrics indicate poor data quality at this position in the gnomAD database. This variant has not been reported in the literature in individuals affected with SLC26A1-related conditions. ClinVar contains an entry for this variant (Variation ID: 1406708). Advanced modeling of protein sequence and biophysical properties (such as structural, functional, and spatial information, amino acid conservation, physicochemical variation, residue mobility, and thermodynamic stability) performed at Invitae indicates that this missense variant is not expected to disrupt SLC26A1 protein function with a negative predictive value of 80%. In summary, the available evidence is currently insufficient to determine the role of this variant in disease. Therefore, it has been classified as a Variant of Uncertain Significance.

NM_022042.4(SLC26A1):c.1114C>T (p.Arg372Cys)

Genes: IDUA (alpha-L-iduronidase; plus strand), SLC26A1 (solute carrier family 26 member 1; minus strand). Cytogenetic location: 4p16.3.
Variant type: single nucleotide variant.
Coding change: c.1114C>T on transcript NM_022042.4 (MANE Select); coding-DNA position 1114, C replaced by T.
Protein change: p.Arg372Cys; replaces arginine 372 with cysteine.
Molecular consequence: missense variant. On other transcripts: intron variant (2).
Genome position (GRCh38, 1-based): chr4:989,825, G>A on the plus strand (C>T on the coding strand, the complement: SLC26A1 is on the minus strand). VCF-style: chr4-989825-G-A. GRCh37 (hg19) VCF-style: chr4-983613-G-A.
Other names: c.1114C>T, p.Arg372Cys (NM_213613.4); c.576+1303C>T (NM_134425.4); c.299+1876G>A (NM_000203.5); c.1114C>T (NM_213613.2); short protein forms R372C.
Identifiers: ClinVar variation 1406708 (VCV001406708.10), dbSNP rs749514306, ClinGen allele CA2801461.